The following is an entry in ClinVar:

ClinVar aggregate classification (germline): Conflicting classifications of pathogenicity. Review status: criteria provided, conflicting classifications (1 of 4 stars). 3 submissions from 3 submitters: Pathogenic (1); Likely pathogenic (1); Uncertain significance (1). Last evaluated 2023-10-01.

Conditions:
Retinal dystrophy. Also called: Inherited retinal dystrophy. Identifiers: Orphanet 71862, MedGen C0854723, MeSH D058499, MONDO:0019118, HP:0000556.
PRPH2-related disorder. Also called: PRPH2-related condition; PRPH2-related disorders. Identifiers: MedGen CN239395.

Allele frequency attached by ClinVar (database versions not stated): gnomAD exomes below 0.00001.

Submissions (3):

Dept Of Ophthalmology, Nagoya University
Classification: Uncertain significance for Retinal dystrophy. Last evaluated: 2023-10-01. Review status: criteria provided, single submitter. Criteria: Submitter's publication. Collection method: research. Allele origin: germline. Affected: yes.

Labcorp Genetics (formerly Invitae), Labcorp
Classification: Likely pathogenic for PRPH2-related disorder. Last evaluated: 2022-01-27. Review status: criteria provided, single submitter. Criteria: Invitae Variant Classification Sherloc (09022015). Collection method: clinical testing. Allele origin: germline.
Comment: In summary, the currently available evidence indicates that the variant is pathogenic, but additional data are needed to prove that conclusively. Therefore, this variant has been classified as Likely Pathogenic. ClinVar contains an entry for this variant (Variation ID: 934303). Disruption of the initiator codon has been observed in individuals with clinical features of autosomal dominant PRPH2-related conditions (PMID: 9338584, 25472526, 29555955). This variant is not present in population databases (gnomAD no frequency). This sequence change affects the initiator methionine of the PRPH2 mRNA. The next in-frame methionine is located at codon 23.

Blueprint Genetics
Classification: Pathogenic for PRPH2-related disorders. Last evaluated: 2019-12-30. Review status: criteria provided, single submitter. Criteria: ACMG Guidelines, 2015. Collection method: clinical testing. Allele origin: germline. Affected: yes. Observed: 4 variant alleles.

Literature cited by the submitters: PubMed 9338584 (cited by Labcorp Genetics (formerly Invitae), Labcorp); PubMed 25472526 (cited by Labcorp Genetics (formerly Invitae), Labcorp); PubMed 29555955 (cited by Labcorp Genetics (formerly Invitae), Labcorp).

NM_000322.5(PRPH2):c.1A>G (p.Met1Val)

Gene: PRPH2 (peripherin 2; minus strand). Cytogenetic location: 6p21.1.
Variant type: single nucleotide variant.
Coding change: c.1A>G on transcript NM_000322.5 (MANE Select); coding-DNA position 1, A replaced by G.
Protein change: p.Met1Val; changes the start codon (methionine 1).
Molecular consequence: missense variant, initiator codon variant.
Genome position (GRCh38, 1-based): chr6:42,722,334, T>C on the plus strand (A>G on the coding strand, the complement: PRPH2 is on the minus strand). VCF-style: chr6-42722334-T-C. GRCh37 (hg19) VCF-style: chr6-42690072-T-C.
Other names: short protein forms M1V.
Identifiers: ClinVar variation 934303 (VCV000934303.12), dbSNP rs1761921867, ClinGen allele CA364138987.